The following is an entry in ClinVar:

NM_001145809.2(MYH14):c.1609G>A (p.Asp537Asn)

Gene: MYH14 (myosin heavy chain 14; plus strand). Cytogenetic location: 19q13.33.
Variant type: single nucleotide variant.
Coding change: c.1609G>A on transcript NM_001145809.2 (MANE Select); coding-DNA position 1609, G replaced by A.
Protein change: p.Asp537Asn; replaces aspartic acid 537 with asparagine.
Molecular consequence: missense variant.
Genome position (GRCh38, 1-based): chr19:50,249,776, G>A. VCF-style: chr19-50249776-G-A. GRCh37 (hg19) VCF-style: chr19-50753033-G-A.
Other names: c.1609G>A, p.Asp537Asn (NM_001077186.2); c.1585G>A, p.Asp529Asn (NM_024729.4); short protein forms D537N, D529N.
Identifiers: ClinVar variation 2736923 (VCV002736923.3), dbSNP rs1215986558, ClinGen allele CA406959800.

ClinVar aggregate classification (germline): Uncertain significance (1 of 4 stars; one submission).

Allele frequency attached by ClinVar (database versions not stated): gnomAD 0.00001; gnomAD exomes 0.00001.
gnomAD v4.1: 11 of 1,614,072 alleles (0.00068%); highest among the groups gnomAD compares: African/African-American, 0.0027%; no homozygotes.

Submission:

Labcorp Genetics (formerly Invitae), Labcorp
Classification: Uncertain significance. Last evaluated: 2024-01-16. Review status: criteria provided, single submitter. Criteria: Invitae Variant Classification Sherloc (09022015). Collection method: clinical testing. Allele origin: germline.
Comment: This sequence change replaces aspartic acid, which is acidic and polar, with asparagine, which is neutral and polar, at codon 529 of the MYH14 protein (p.Asp529Asn). This variant is present in population databases (no rsID available, gnomAD 0.004%). This missense change has been observed in individual(s) with autosomal dominant nonsyndromic deafness (PMID: 25719458). In at least one individual the variant was observed to be de novo. This variant is also known as c.1609G>A (p.D537N). Advanced modeling of protein sequence and biophysical properties (such as structural, functional, and spatial information, amino acid conservation, physicochemical variation, residue mobility, and thermodynamic stability) has been performed at Invitae for this missense variant, however the output from this modeling did not meet the statistical confidence thresholds required to predict the impact of this variant on MYH14 protein function. In summary, the available evidence is currently insufficient to determine the role of this variant in disease. Therefore, it has been classified as a Variant of Uncertain Significance.

Literature cited by the submitters: PubMed 25719458.